The following is an entry in ClinVar:

NM_004859.4(CLTC):c.42+3G>A

Gene: CLTC (clathrin heavy chain; plus strand). Cytogenetic location: 17q23.1.
Variant type: single nucleotide variant.
Coding change: c.42+3G>A on transcript NM_004859.4 (MANE Select); 3 bases into the intron after coding-DNA position 42, G replaced by A.
Molecular consequence: intron variant.
Genome position (GRCh38, 1-based): chr17:59,620,176, G>A. VCF-style: chr17-59620176-G-A. GRCh37 (hg19) VCF-style: chr17-57697537-G-A.
Other names: c.42+3G>A (NM_001288653.2).
Identifiers: ClinVar variation 4886030 (VCV004886030.2).

ClinVar aggregate classification (germline): Uncertain significance (1 of 4 stars; one submission).

gnomAD v4.1: 1 of 1,614,118 alleles (0.000062%); highest among the groups gnomAD compares: Non-Finnish European, 0.000085%; no homozygotes.

Submission:

Dasa
Classification: Uncertain significance. Last evaluated: 2025-05-25. Review status: criteria provided, single submitter. Criteria: DASA Assertion Criteria. Collection method: clinical testing. Allele origin: germline.
Comment: NM_004859.4(CLTC):c.42+3G>A is a splice-region variant. This variant is rare in population databases. Computational prediction algorithms are consistent with a benign effect. The currently available literature and clinical evidence are not sufficient to establish a definitive association between this variant and the reported condition. Therefore, this variant is classified as a variant of uncertain significance.